The following is an entry in ClinVar:

NM_001372.4(DNAH9):c.7630A>T (p.Ile2544Phe)

Gene: DNAH9 (dynein axonemal heavy chain 9; plus strand). Cytogenetic location: 17p12.
Variant type: single nucleotide variant.
Coding change: c.7630A>T on transcript NM_001372.4 (MANE Select); coding-DNA position 7630, A replaced by T.
Protein change: p.Ile2544Phe; replaces isoleucine 2544 with phenylalanine.
Molecular consequence: missense variant.
Genome position (GRCh38, 1-based): chr17:11,781,086, A>T. VCF-style: chr17-11781086-A-T. GRCh37 (hg19) VCF-style: chr17-11684403-A-T.
Other names: short protein forms I2544F.
Identifiers: ClinVar variation 5007648 (VCV005007648.1).
Genomic context (GRCh38, chr17:11,781,086, plus strand): 5'-CTGGAAAAGAAGGCTGGCAGAAACTATGGCCCTCCAGGGAACAAGAAACTCATCTATTTC[A>T]TTGATGACATGAACATGCCTGAGGTGGATGCCTACGGGACGGTGCAGCCCCACACCATCA-3'
Protein context (NP_001363.2, residues 2534-2554): PPGNKKLIYF[Ile2544Phe]DDMNMPEVDA

ClinVar aggregate classification (germline): Uncertain significance (1 of 4 stars; one submission).

Conditions:
Ciliary dyskinesia, primary, 40. Also called: CILIARY DYSKINESIA, PRIMARY, 40, WITH OR WITHOUT SITUS INVERSUS. Identifiers: MedGen C4749028, MONDO:0032664, OMIM 618300.

gnomAD v4.1: 1 of 1,614,176 alleles (0.000062%); no homozygotes.

Submission:

Juno Genomics, Hangzhou Juno Genomics, Inc
Classification: Uncertain significance for Ciliary dyskinesia, primary, 40. Review status: criteria provided, single submitter. Criteria: ACMG Guidelines, 2015. Collection method: clinical testing. Allele origin: germline. Affected: yes.
Comment: Absent from controls (or at extremely low frequency if recessive) in Genome Aggregation Database.;For recessive disorders, detected in trans with a pathogenic variant.;Patient's phenotype or family history is highly specific for a disease with a single genetic etiology.